The following is an entry in ClinVar:

NM_000135.4(FANCA):c.2107C>T (p.Gln703Ter)

Gene: FANCA (FA complementation group A; minus strand). Cytogenetic location: 16q24.3.
Variant type: single nucleotide variant.
Coding change: c.2107C>T on transcript NM_000135.4 (MANE Select); coding-DNA position 2107, C replaced by T.
Protein change: p.Gln703Ter; replaces glutamine 703 with a stop codon.
Molecular consequence: nonsense.
Genome position (GRCh38, 1-based): chr16:89,771,722, G>A on the plus strand (C>T on the coding strand, the complement: FANCA is on the minus strand). VCF-style: chr16-89771722-G-A. GRCh37 (hg19) VCF-style: chr16-89838130-G-A.
Other names: c.2107C>T (LRG_495t1); c.2107C>T, p.Gln703Ter (NM_001286167.3); short protein forms Q703*.
Identifiers: ClinVar variation 552483 (VCV000552483.13), dbSNP rs1555548512, ClinGen allele CA397448200.

ClinVar aggregate classification (germline): Pathogenic. Review status: criteria provided, multiple submitters, no conflicts (2 of 4 stars). 4 submissions from 4 submitters: Pathogenic (2). 2 of the submissions do not count toward it. Last evaluated 2025-11-23.

Conditions:
Fanconi anemia (FA). Also called: Fanconi's anemia. Identifiers: Orphanet 84, MedGen C0015625, MeSH D005199, MONDO:0019391.
Fanconi anemia complementation group A (FANCA). Also called: Fanconi anemia, group A; FANCA-Related Fanconi Anemia. Identifiers: Orphanet 84, MedGen C3469521, MONDO:0009215, OMIM 227650.

gnomAD v4.1: 1 of 1,614,152 alleles (0.000062%); highest among the groups gnomAD compares: East Asian, 0.0022%; no homozygotes.

Submissions (4):

Labcorp Genetics (formerly Invitae), Labcorp
Classification: Pathogenic for Fanconi anemia. Last evaluated: 2025-11-23. Review status: criteria provided, single submitter. Criteria: Invitae Variant Classification Sherloc (09022015). Collection method: clinical testing. Allele origin: germline.
Comment: This sequence change creates a premature translational stop signal (p.Gln703*) in the FANCA gene. It is expected to result in an absent or disrupted protein product. Loss-of-function variants in FANCA are known to be pathogenic (PMID: 19367192). This variant is not present in population databases (gnomAD no frequency). This premature translational stop signal has been observed in individual(s) with Fanconi anaemia (PMID: 10094191). ClinVar contains an entry for this variant (Variation ID: 552483). For these reasons, this variant has been classified as Pathogenic.

Baylor Genetics
Classification: Pathogenic for Fanconi anemia complementation group A. Last evaluated: 2023-11-13. Review status: criteria provided, single submitter. Criteria: ACMG Guidelines, 2015. Collection method: clinical testing. Allele origin: unknown.

Leiden Open Variation Database
Classification: Pathogenic for Fanconi anemia complementation group A. Last evaluated: 2020-02-28. Review status: no assertion criteria provided. Collection method: curation. Allele origin: germline. Affected: yes. Not counted in ClinVar's aggregate classification.
Comment: Curator: Arleen D. Auerbach. Submitter to LOVD: Arleen D. Auerbach.

Counsyl
Classification: Likely pathogenic for Fanconi anemia complementation group A. Last evaluated: 2017-06-20. Review status: no assertion criteria provided. Collection method: clinical testing. Allele origin: unknown. Not counted in ClinVar's aggregate classification.

Literature cited by the submitters: PubMed 19367192 (cited by Labcorp Genetics (formerly Invitae), Labcorp); PubMed 10094191 (cited by 3 submitters).